The following is an entry in ClinVar:

NM_006907.4(PYCR1):c.559G>A (p.Ala187Thr)

Gene: PYCR1 (pyrroline-5-carboxylate reductase 1; minus strand). Cytogenetic location: 17q25.3.
Variant type: single nucleotide variant.
Coding change: c.559G>A on transcript NM_006907.4 (MANE Select); coding-DNA position 559, G replaced by A.
Protein change: p.Ala187Thr; replaces alanine 187 with threonine.
Molecular consequence: missense variant. On other transcripts: intron variant (1).
Genome position (GRCh38, 1-based): chr17:81,934,727, C>T on the plus strand (G>A on the coding strand, the complement: PYCR1 is on the minus strand). VCF-style: chr17-81934727-C-T. GRCh37 (hg19) VCF-style: chr17-79892603-C-T.
Other names: c.559G>A, p.Ala187Thr (NM_001282280.2, NM_001330523.2, NM_153824.3); c.640G>A, p.Ala214Thr (NM_001282281.2); c.540+199G>A (NM_001282279.2); short protein forms A187T, A214T.
Identifiers: ClinVar variation 973232 (VCV000973232.9), dbSNP rs763349891, ClinGen allele CA8845386.

ClinVar aggregate classification (germline): Conflicting classifications of pathogenicity. Review status: criteria provided, conflicting classifications (1 of 4 stars). 3 submissions from 3 submitters: Likely pathogenic (2); Uncertain significance (1). Last evaluated 2019-10-16.

Conditions:
Autosomal recessive cutis laxa type 2B (ARCL2B). Also called: CUTIS LAXA, AUTOSOMAL RECESSIVE, TYPE IIB; CUTIS LAXA WITH PROGEROID FEATURES. Identifiers: Orphanet 357064, MedGen C2751987, MONDO:0013051, OMIM 612940. Disease mechanism: loss of function.
PYCR1-related de Barsy syndrome. Also called: CUTIS LAXA, AUTOSOMAL RECESSIVE, TYPE IIIB; DE BARSY SYNDROME B. Identifiers: Orphanet 293633, Orphanet 2962, MedGen C3280799, MONDO:0013755, OMIM 614438.

Allele frequency attached by ClinVar (database versions not stated): ExAC below 0.00001; TOPMed 0.00001.
gnomAD v4.1: 7 of 1,560,722 alleles (0.00045%); highest among the groups gnomAD compares: East Asian, 0.012%; no homozygotes.

Submissions (3):

GeneDx
Classification: Likely pathogenic. Last evaluated: 2019-10-16. Review status: criteria provided, single submitter. Criteria: GeneDx Variant Classification Process June 2021. Collection method: clinical testing. Allele origin: germline. Affected: yes.
Comment: In silico analysis, which includes protein predictors and evolutionary conservation, supports a deleterious effect; This variant is associated with the following publications: (PMID: 30574417, 32371413)

Institute for Genomic Medicine (IGM) Clinical Laboratory, Nationwide Children's Hospital
Classification: Uncertain significance for Autosomal recessive cutis laxa type 2B; PYCR1-related de Barsy syndrome. Last evaluated: 2018-09-05. Review status: criteria provided, single submitter. Criteria: ACMG Guidelines, 2015. Collection method: clinical testing. Allele origin: germline. Affected: yes.
Comment: [ACMG/AMP: PM1, PM2, PP3] This alteration is located in a mutational hotspot and/or critical and well-established functional domain [PM1], is absent from or rarely observed in large-scale population databases [PM2], is predicted to be damaging by multiple functional prediction tools [PP3].

Juno Genomics, Hangzhou Juno Genomics, Inc
Classification: Likely pathogenic for Autosomal recessive cutis laxa type 2B; PYCR1-related de Barsy syndrome. Review status: criteria provided, single submitter. Criteria: ACMG Guidelines, 2015. Collection method: clinical testing. Allele origin: germline.
Comment: Absent from controls (or at extremely low frequency if recessive) in Genome Aggregation Database.;Multiple lines of computational evidence support a deleterious effect on the gene or gene product.;For recessive disorders, detected in trans with a pathogenic variant.